The following is an entry in ClinVar:

ClinVar aggregate classification (germline): Uncertain significance (1 of 4 stars; one submission).

Submission:

Labcorp Genetics (formerly Invitae), Labcorp
Classification: Uncertain significance. Last evaluated: 2023-04-18. Review status: criteria provided, single submitter. Criteria: Invitae Variant Classification Sherloc (09022015). Collection method: clinical testing. Allele origin: germline.
Comment: In summary, the available evidence is currently insufficient to determine the role of this variant in disease. Therefore, it has been classified as a Variant of Uncertain Significance. Advanced modeling of protein sequence and biophysical properties (such as structural, functional, and spatial information, amino acid conservation, physicochemical variation, residue mobility, and thermodynamic stability) performed at Invitae indicates that this missense variant is expected to disrupt POU4F3 protein function. This variant has not been reported in the literature in individuals affected with POU4F3-related conditions. This variant is not present in population databases (gnomAD no frequency). This sequence change replaces serine, which is neutral and polar, with glycine, which is neutral and non-polar, at codon 226 of the POU4F3 protein (p.Ser226Gly).

NM_002700.3(POU4F3):c.676A>G (p.Ser226Gly)

Genes: POU4F3 (POU class 4 homeobox 3; plus strand), RBM27-POU4F3 (RBM27-POU4F3 readthrough; plus strand). Cytogenetic location: 5q32.
Variant type: single nucleotide variant.
Coding change: c.676A>G on transcript NM_002700.3 (MANE Select); coding-DNA position 676, A replaced by G.
Protein change: p.Ser226Gly; replaces serine 226 with glycine.
Molecular consequence: missense variant. On other transcripts: 3 prime UTR variant (1).
Genome position (GRCh38, 1-based): chr5:146,340,103, A>G. VCF-style: chr5-146340103-A-G. GRCh37 (hg19) VCF-style: chr5-145719666-A-G.
Other names: c.*545A>G (NM_001414499.1); short protein forms S226G.
Identifiers: ClinVar variation 2857410 (VCV002857410.3), dbSNP rs2479693513, ClinGen allele CA361621836.